The following is an entry in ClinVar:

NM_006270.5(RRAS):c.599C>T (p.Pro200Leu)

Gene: RRAS (RAS related; minus strand). Cytogenetic location: 19q13.33.
Variant type: single nucleotide variant.
Coding change: c.599C>T on transcript NM_006270.5 (MANE Select); coding-DNA position 599, C replaced by T.
Protein change: p.Pro200Leu; replaces proline 200 with leucine.
Molecular consequence: missense variant.
Genome position (GRCh38, 1-based): chr19:49,635,634, G>A on the plus strand (C>T on the coding strand, the complement: RRAS is on the minus strand). VCF-style: chr19-49635634-G-A. GRCh37 (hg19) VCF-style: chr19-50138891-G-A.
Other names: short protein forms P200L.
Identifiers: ClinVar variation 2059832 (VCV002059832.4), dbSNP rs761629413, ClinGen allele CA9578934.

ClinVar aggregate classification (germline): Uncertain significance (1 of 4 stars; one submission).

Conditions:
Noonan syndrome (NS). Also called: Noonan's syndrome. Identifiers: Orphanet 648, MedGen C0028326, MeSH D009634, MONDO:0018997. Disease mechanism: gain of function.

Allele frequency attached by ClinVar (database versions not stated): gnomAD exomes 0.00002; ExAC 0.00004; gnomAD 0.00002.
gnomAD v4.1: 34 of 1,449,034 alleles (0.0023%); highest among the groups gnomAD compares: Middle Eastern, 0.019%; no homozygotes.

Submission:

Labcorp Genetics (formerly Invitae), Labcorp
Classification: Uncertain significance for Noonan syndrome. Last evaluated: 2024-04-29. Review status: criteria provided, single submitter. Criteria: Invitae Variant Classification Sherloc (09022015). Collection method: clinical testing. Allele origin: germline.
Comment: This sequence change replaces proline, which is neutral and non-polar, with leucine, which is neutral and non-polar, at codon 200 of the RRAS protein (p.Pro200Leu). This variant is present in population databases (rs761629413, gnomAD 0.008%). This variant has not been reported in the literature in individuals affected with RRAS-related conditions. ClinVar contains an entry for this variant (Variation ID: 2059832). An algorithm developed to predict the effect of missense changes on protein structure and function (PolyPhen-2) suggests that this variant is likely to be tolerated. In summary, the available evidence is currently insufficient to determine the role of this variant in disease. Therefore, it has been classified as a Variant of Uncertain Significance.